The following is an entry in ClinVar:

NM_001276270.2(MBD4):c.1648-12T>G

Gene: MBD4 (methyl-CpG binding domain 4, DNA glycosylase; minus strand). Cytogenetic location: 3q21.3.
Variant type: single nucleotide variant.
Coding change: c.1648-12T>G on transcript NM_001276270.2 (MANE Select); 12 bases into the intron before coding-DNA position 1648, T replaced by G.
Molecular consequence: intron variant.
Genome position (GRCh38, 1-based): chr3:129,431,590, A>C on the plus strand (T>G on the coding strand, the complement: MBD4 is on the minus strand). VCF-style: chr3-129431590-A-C. GRCh37 (hg19) VCF-style: chr3-129150433-A-C.
Other names: c.712-12T>G (NM_001276273.2); c.1613-12T>G (NM_001276272.2); c.1666-12T>G (NM_003925.3).
Identifiers: ClinVar variation 3650315 (VCV003650315.2).

ClinVar aggregate classification (germline): Uncertain significance (1 of 4 stars; one submission).

Submission:

Labcorp Genetics (formerly Invitae), Labcorp
Classification: Uncertain significance. Last evaluated: 2024-04-18. Review status: criteria provided, single submitter. Criteria: Invitae Variant Classification Sherloc (09022015). Collection method: clinical testing. Allele origin: germline.
Comment: This sequence change falls in intron 7 of the MBD4 gene. It does not directly change the encoded amino acid sequence of the MBD4 protein. This variant is not present in population databases (gnomAD no frequency). This variant has not been reported in the literature in individuals affected with MBD4-related conditions. Algorithms developed to predict the effect of sequence changes on RNA splicing suggest that this variant may disrupt the consensus splice site. In summary, the available evidence is currently insufficient to determine the role of this variant in disease. Therefore, it has been classified as a Variant of Uncertain Significance.